The following is an entry in ClinVar:

ClinVar aggregate classification (germline): Uncertain significance. Review status: criteria provided, multiple submitters, no conflicts (2 of 4 stars). 2 submissions from 2 submitters: Uncertain significance (2). Last evaluated 2025-11-26.

Allele frequency attached by ClinVar (database versions not stated): gnomAD 0.00025; TOPMed 0.00028; 1000 Genomes Project 30x 0.00047; 1000 Genomes Project 0.00060; ExAC 0.00009; ESP Exome Variant Server 0.00023.
gnomAD v4.1: 67 of 1,605,408 alleles (0.0042%); highest among the groups gnomAD compares: African/African-American, 0.082%; no homozygotes.

Submissions (2):

Women's Health and Genetics/Laboratory Corporation of America, LabCorp
Classification: Uncertain significance. Last evaluated: 2025-11-26. Review status: criteria provided, single submitter. Criteria: LabCorp Variant Classification Summary - May 2015. Collection method: clinical testing. Allele origin: germline.
Comment: Variant summary: UBE3B c.376C>T (p.Leu126Phe) results in a non-conservative amino acid change in the encoded protein sequence. Algorithms developed to predict the effect of missense changes on protein structure and function are either unavailable or do not agree on the potential impact of this missense change. The variant allele was found at a frequency of 6.4e-05 in 251136 control chromosomes. This frequency is not significantly higher than estimated for disease-causing variants in UBE3B, allowing no conclusion about variant significance. To our knowledge, no occurrence of c.376C>T in individuals affected with UBE3B-related conditions and no experimental evidence demonstrating its impact on protein function have been reported. ClinVar contains an entry for this variant (Variation ID: 2057342). Based on the evidence outlined above, the variant was classified as uncertain significance.

Labcorp Genetics (formerly Invitae), Labcorp
Classification: Uncertain significance. Last evaluated: 2022-08-13. Review status: criteria provided, single submitter. Criteria: Invitae Variant Classification Sherloc (09022015). Collection method: clinical testing. Allele origin: germline.
Comment: This sequence change replaces leucine, which is neutral and non-polar, with phenylalanine, which is neutral and non-polar, at codon 126 of the UBE3B protein (p.Leu126Phe). This variant is present in population databases (rs151084567, gnomAD 0.1%). This variant has not been reported in the literature in individuals affected with UBE3B-related conditions. Algorithms developed to predict the effect of missense changes on protein structure and function (SIFT, PolyPhen-2, Align-GVGD) all suggest that this variant is likely to be tolerated. In summary, the available evidence is currently insufficient to determine the role of this variant in disease. Therefore, it has been classified as a Variant of Uncertain Significance.

NM_130466.4(UBE3B):c.376C>T (p.Leu126Phe)

Gene: UBE3B (ubiquitin protein ligase E3B; plus strand). Cytogenetic location: 12q24.11.
Variant type: single nucleotide variant.
Coding change: c.376C>T on transcript NM_130466.4 (MANE Select); coding-DNA position 376, C replaced by T.
Protein change: p.Leu126Phe; replaces leucine 126 with phenylalanine.
Molecular consequence: missense variant.
Genome position (GRCh38, 1-based): chr12:109,486,504, C>T. VCF-style: chr12-109486504-C-T. GRCh37 (hg19) VCF-style: chr12-109924309-C-T.
Other names: c.376C>T, p.Leu126Phe (NM_001270449.2, NM_001270450.2, NM_001270451.2 and 1 more transcripts); short protein forms L126F.
Identifiers: ClinVar variation 2057342 (VCV002057342.2), dbSNP rs151084567, ClinGen allele CA6777475.
Genomic context (GRCh38, chr12:109,486,504, plus strand): 5'-TGACATTCCTCTTTTTCCCACCTATAGGTGTGGTATGTGTCCCTGGCTTGTTCTAAGGAC[C>T]TCACCCTCCTTTGGATTCAACAGATCAAGAACATTTTGTGGTACTGCTGTGATTTTCTCA-3'
Protein context (NP_569733.2, residues 116-136): WYVSLACSKD[Leu126Phe]TLLWIQQIKN